The following is an entry in ClinVar:

ClinVar aggregate classification (germline): Pathogenic. Review status: criteria provided, multiple submitters, no conflicts (2 of 4 stars). 2 submissions from 2 submitters: Pathogenic (2). Last evaluated 2025-06-09.

Conditions:
Hereditary diffuse gastric adenocarcinoma (HDGC). Also called: DIFFUSE GASTRIC AND LOBULAR BREAST CANCER SYNDROME. Identifiers: Orphanet 26106, MedGen C1708349, MONDO:0007648, OMIM 137215.
Hereditary cancer-predisposing syndrome. Also called: Tumor predisposition; Neoplastic Syndromes, Hereditary; Hereditary Cancer Syndrome; Hereditary neoplastic syndrome. Identifiers: Orphanet 140162, MedGen C0027672, MeSH D009386, MONDO:0015356.

Submissions (2):

Ambry Genetics
Classification: Pathogenic for Hereditary cancer-predisposing syndrome. Last evaluated: 2025-06-09. Review status: criteria provided, single submitter. Criteria: Ambry Variant Classification Scheme 2023. Collection method: clinical testing. Allele origin: germline.
Comment: The c.1006delG pathogenic mutation, located in coding exon 6 of the CTNNA1 gene, results from a deletion of one nucleotide at nucleotide position 1006, causing a translational frameshift with a predicted alternate stop codon (p.E336Sfs*33). This variant is considered to be rare based on population cohorts in the Genome Aggregation Database (gnomAD). This alteration is expected to result in loss of function by premature protein truncation or nonsense-mediated mRNA decay. As such, this alteration is interpreted as a disease-causing mutation.

Myriad Genetics, Inc.
Classification: Pathogenic for Hereditary diffuse gastric adenocarcinoma. Last evaluated: 2023-07-05. Review status: criteria provided, single submitter. Criteria: Myriad Autosomal Dominant, Autosomal Recessive and X-Linked Classification Criteria (2023). Collection method: clinical testing. Allele origin: unknown.
Comment: This variant is considered pathogenic. This variant creates a frameshift predicted to result in premature protein truncation.

NM_001903.5(CTNNA1):c.1006del (p.Glu336fs)

Gene: CTNNA1 (catenin alpha 1; plus strand). Cytogenetic location: 5q31.2.
Variant type: Deletion.
Coding change: c.1006del on transcript NM_001903.5 (MANE Select); coding-DNA position 1006, one base deleted (G; older notation c.1006delG).
Protein change: p.Glu336fs; shifts the reading frame from glutamic acid 336.
Molecular consequence: frameshift variant.
Genome position (GRCh38, 1-based): chr5:138,827,662, G deleted. VCF-style (leftmost placement, unchanged base first): chr5-138827661-AG-A. GRCh37 (hg19) VCF-style: chr5-138163350-AG-A.
Other names: c.1006del, p.Glu336fs (NM_001290307.3, NM_001323982.2, NM_001323983.1 and 3 more transcripts); c.697del, p.Glu233fs (NM_001290309.3); c.637del, p.Glu213fs (NM_001290310.3); short protein forms E213fs, E233fs, E336fs.
Identifiers: ClinVar variation 1785211 (VCV001785211.4), dbSNP rs2532447844, ClinGen allele CA2580072937.
Genomic context (GRCh38, chr5:138,827,661, plus strand): 5'-GGCTGCCTTGATGGCCGACTCGTCCTGCACGCGTGATGACCGTCGTGAGCGAATTGTGGC[AG>A]AGTGTAATGCTGTCCGCCAGGCCCTGCAGGACCTGCTTTCGGAGTACATGGGCAATGTGA-3'